The following is an entry in ClinVar:

ClinVar aggregate classification (germline): Likely pathogenic (1 of 4 stars; one submission).

Conditions:
Granulomatous disease, chronic, autosomal recessive, cytochrome b-positive, type 2. Also called: GRANULOMATOUS DISEASE, CHRONIC, DUE TO NCF2 DEFICIENCY; Chronic Granulomatous Disease, Autosomal Recessive, Cytochrome b-Positive, Type II; GRANULOMATOUS DISEASE, CHRONIC, AUTOSOMAL RECESSIVE, 2; Chronic granulomatous disease due to deficiency of NCF-2; CGD, AUTOSOMAL RECESSIVE CYTOCHROME b-POSITIVE, TYPE II. Identifiers: Orphanet 379, MedGen C1856245, MONDO:0009310, OMIM 233710.

Submission:

Labcorp Genetics (formerly Invitae), Labcorp
Classification: Likely pathogenic for Granulomatous disease, chronic, autosomal recessive, cytochrome b-positive, type 2. Last evaluated: 2018-06-09. Review status: criteria provided, single submitter. Criteria: Invitae Variant Classification Sherloc (09022015). Collection method: clinical testing. Allele origin: germline.
Comment: In summary, the currently available evidence indicates that the variant is pathogenic, but additional data are needed to prove that conclusively. Therefore, this variant has been classified as Likely Pathogenic. This sequence change affects a donor splice site in intron 11 of the NCF2 gene. It is expected to disrupt RNA splicing and likely results in an absent or disrupted protein product. This variant is not present in population databases (ExAC no frequency). This variant has not been reported in the literature in individuals with NCF2-related disease. Donor and acceptor splice site variants typically lead to a loss of protein function (PMID: 16199547), and loss-of-function variants in NCF2 are known to be pathogenic (PMID: 10498624, 20167518).

Literature cited by the submitters: PubMed 16199547; PubMed 10498624; PubMed 20167518.

NM_000433.4(NCF2):c.1026+1G>C

Gene: NCF2 (neutrophil cytosolic factor 2; minus strand). Cytogenetic location: 1q25.3.
Variant type: single nucleotide variant.
Coding change: c.1026+1G>C on transcript NM_000433.4 (MANE Select); the canonical splice donor site of the intron after coding-DNA position 1026, G replaced by C.
Molecular consequence: splice donor variant.
Genome position (GRCh38, 1-based): chr1:183,564,004, C>G on the plus strand (G>C on the coding strand, the complement: NCF2 is on the minus strand). VCF-style: chr1-183564004-C-G. GRCh37 (hg19) VCF-style: chr1-183533139-C-G.
Other names: c.918+1G>C (NM_001410895.1); c.1026+1G>C (NM_001127651.3); c.783+1G>C (NM_001190789.2); c.891+1G>C (NM_001190794.2).
Identifiers: ClinVar variation 572791 (VCV000572791.7), dbSNP rs1558092897, ClinGen allele CA343704775.
Genomic context (GRCh38, chr1:183,564,004, plus strand): 5'-GTTGATAGCCCAAGCTATCCCATCTTCTACCACTTGAAACAGTATGAGGGAAAAATGTTA[C>G]CTTAGGCTCTTCTTTTTGTTTCTGGCCTGAATGGAAAAAGTAGGGAGTAAAACAAAAGAA-3'